The following is an entry in ClinVar:

NM_000540.3(RYR1):c.5186T>G (p.Met1729Arg)

Gene: RYR1 (ryanodine receptor 1; plus strand). Cytogenetic location: 19q13.2.
Variant type: single nucleotide variant.
Coding change: c.5186T>G on transcript NM_000540.3 (MANE Select); coding-DNA position 5186, T replaced by G.
Protein change: p.Met1729Arg; replaces methionine 1729 with arginine.
Molecular consequence: missense variant.
Genome position (GRCh38, 1-based): chr19:38,485,841, T>G. VCF-style: chr19-38485841-T-G. GRCh37 (hg19) VCF-style: chr19-38976481-T-G.
Other names: c.5186T>G (NM_000540.2); c.5186T>G, p.Met1729Arg (NM_001042723.2); short protein forms M1729R.
Identifiers: ClinVar variation 133145 (VCV000133145.4), dbSNP rs193922782, ClinGen allele CA024497.

ClinVar aggregate classification (germline): Uncertain significance. Review status: reviewed by expert panel (3 of 4 stars). 2 submissions from 2 submitters: Uncertain significance (1). 1 of the submissions does not count toward it. Last evaluated 2025-08-01.

Conditions:
Malignant hyperthermia, susceptibility to, 1 (MHS1). Also called: RYR1-Related Malignant Hyperthermia Susceptibility; Malignant hyperthermia suceptibility 1; Anesthesia related hyperthermia; Malignant hyperpyrexia; Fulminating hyperpyrexia; Pharmacogenic myopathy. Identifiers: Orphanet 423, MedGen C2930980, MONDO:0007783, OMIM 145600.

Submissions (2):

ClinGen Malignant Hyperthermia Susceptibility Variant Curation Expert Panel, ClinGen
Classification: Uncertain significance for Malignant hyperthermia, susceptibility to, 1. Last evaluated: 2025-08-01. Review status: reviewed by expert panel. Criteria: ClinGen MHS ACMG Specifications V2. Collection method: curation. Allele origin: germline. Inheritance: Autosomal dominant inheritance.
Comment: This pathogenicity assessment is relevant only for malignant hyperthermia susceptibility (MHS) inherited in an autosomal dominant pattern. Variants in RYR1 can also cause other myopathies inherited in an autosomal dominant pattern or in an autosomal recessive pattern. Some of these disorders may predispose individuals to malignant hyperthermia. RYR1 variants may also contribute to a malignant hyperthermia reaction in combination with other genetic and non-genetic factors and the clinician needs to consider such factors in making management decisions. This sequence variant predicts a substitution of methionine with arginine at codon 1729 of the RYR1 protein, p.Met1729Arg. This variant was not present in a large population database (gnomAD) at the time this variant was interpreted. This variant has been reported in an individual with a personal or family history of an MH episode and a positive in vitro contracture test (IVCT) or caffeine halothane contracture test (CHCT) result (if the proband was unavailable for testing, a positive diagnostic test result in a mutation-positive relative was counted), PS4_Supporting (PMID:30236257). No functional studies were identified for this variant. This variant does not reside in a hotspot for pathogenic variants that contribute to MHS. A REVEL score of 0.712 supports neither a pathogenic nor a benign status for this variant. This variant has been classified as a Variant of Unknown Significance. Criteria implemented: PS4_Supporting.

RYR1 database
No classification provided. Review status: no classification provided. Collection method: not provided. Allele origin: unknown. Not counted in ClinVar's aggregate classification.